The following is an entry in ClinVar:

NM_020843.4(SCAPER):c.495-5C>T

Gene: SCAPER (S-phase cyclin A associated protein in the ER; minus strand). Cytogenetic location: 15q24.3.
Variant type: single nucleotide variant.
Coding change: c.495-5C>T on transcript NM_020843.4 (MANE Select); 5 bases into the intron before coding-DNA position 495, C replaced by T.
Molecular consequence: intron variant.
Genome position (GRCh38, 1-based): chr15:76,800,369, G>A on the plus strand (C>T on the coding strand, the complement: SCAPER is on the minus strand). VCF-style: chr15-76800369-G-A. GRCh37 (hg19) VCF-style: chr15-77092710-G-A.
Other names: c.93-5C>T (NM_001353011.2, NM_001353012.2, NM_001353010.2); c.495-5C>T (NM_001353009.2, NM_001353009.1); c.-403-5C>T (NM_001145923.2).
Identifiers: ClinVar variation 4926022 (VCV004926022.2).

ClinVar aggregate classification (germline): Likely benign. Review status: criteria provided, multiple submitters, no conflicts (2 of 4 stars). 2 submissions from 2 submitters: Likely benign (2). Last evaluated 2025-09-16.

Conditions:
SCAPER-related disorder. Also called: SCAPER-related condition.

gnomAD v4.1: 52 of 1,545,458 alleles (0.0034%); highest among the groups gnomAD compares: South Asian, 0.012%; no homozygotes.

Submissions (2):

PreventionGenetics, part of Exact Sciences
Classification: Likely benign for SCAPER-related condition. Last evaluated: 2025-09-16. Review status: criteria provided, single submitter. Criteria: ACMG Guidelines, 2015. Collection method: clinical testing. Allele origin: germline.
Comment: This variant is classified as likely benign based on ACMG/AMP sequence variant interpretation guidelines (Richards et al. 2015 PMID: 25741868, with internal and published modifications).

Blueprint Genetics
Classification: Likely benign. Last evaluated: 2024-09-11. Review status: criteria provided, single submitter. Criteria: ACMG Guidelines, 2015. Collection method: clinical testing. Allele origin: germline.